The following is an entry in ClinVar:

NM_145290.4(ADGRA3):c.1605+6T>G

Gene: ADGRA3 (adhesion G protein-coupled receptor A3; minus strand). Cytogenetic location: 4p15.2.
Variant type: single nucleotide variant.
Coding change: c.1605+6T>G on transcript NM_145290.4 (MANE Select); 6 bases into the intron after coding-DNA position 1605, T replaced by G.
Molecular consequence: intron variant.
Genome position (GRCh38, 1-based): chr4:22,424,185, A>C on the plus strand (T>G on the coding strand, the complement: ADGRA3 is on the minus strand). VCF-style: chr4-22424185-A-C. GRCh37 (hg19) VCF-style: chr4-22425808-A-C.
Identifiers: ClinVar variation 3729745 (VCV003729745.2).

ClinVar aggregate classification (germline): Uncertain significance (1 of 4 stars; one submission).

Submission:

Labcorp Genetics (formerly Invitae), Labcorp
Classification: Uncertain significance. Last evaluated: 2025-01-29. Review status: criteria provided, single submitter. Criteria: Invitae Variant Classification Sherloc (09022015). Collection method: clinical testing. Allele origin: germline.
Comment: This sequence change falls in intron 11 of the ADGRA3 gene. It does not directly change the encoded amino acid sequence of the ADGRA3 protein. It affects a nucleotide within the consensus splice site. This variant is not present in population databases (gnomAD no frequency). This variant has not been reported in the literature in individuals affected with ADGRA3-related conditions. Variants that disrupt the consensus splice site are a relatively common cause of aberrant splicing (PMID: 17576681, 9536098). Algorithms developed to predict the effect of sequence changes on RNA splicing suggest that this variant may disrupt the consensus splice site. In summary, the available evidence is currently insufficient to determine the role of this variant in disease. Therefore, it has been classified as a Variant of Uncertain Significance.

Literature cited by the submitters: PubMed 17576681; PubMed 9536098.